The following is an entry in ClinVar:

NM_000465.4(BARD1):c.1160del (p.Phe387fs)

Gene: BARD1 (BRCA1 associated RING domain 1; minus strand). Cytogenetic location: 2q35.
Variant type: Deletion.
Coding change: c.1160del on transcript NM_000465.4 (MANE Select); coding-DNA position 1160, one base deleted (T; older notation c.1160delT).
Protein change: p.Phe387fs; shifts the reading frame from phenylalanine 387.
Molecular consequence: frameshift variant. On other transcripts: non-coding transcript variant (2), intron variant (3).
Genome position (GRCh38, 1-based): chr2:214,780,714, A deleted on the plus strand (T on the coding strand, the reverse complement: BARD1 is on the minus strand); the first of 2 consecutive A bases (chr2:214,780,714-214,780,715); deleting either gives the same sequence. VCF-style (leftmost placement, unchanged base first): chr2-214780713-GA-G. GRCh37 (hg19) VCF-style: chr2-215645437-GA-G.
Other names: c.1103del, p.Phe368fs (NM_001282543.2); c.159-28159del (NM_001282548.2); c.215+16347del (NM_001282545.2); c.364+11583del (NM_001282549.2); short protein forms F387fs, F368fs.
Identifiers: ClinVar variation 460691 (VCV000460691.7), dbSNP rs1553622216, ClinGen allele CA658657241.

ClinVar aggregate classification (germline): Pathogenic (1 of 4 stars; one submission).

Conditions:
Familial cancer of breast. Also called: BREAST CANCER, FAMILIAL; hereditary breast carcinoma; Hereditary breast cancer. Identifiers: Orphanet 227535, MedGen C0346153, MONDO:0016419, OMIM 114480. Disease mechanism: loss of function.

Submission:

Labcorp Genetics (formerly Invitae), Labcorp
Classification: Pathogenic for Familial cancer of breast. Last evaluated: 2017-09-10. Review status: criteria provided, single submitter. Criteria: Invitae Variant Classification Sherloc (09022015). Collection method: clinical testing. Allele origin: germline.
Comment: This variant has not been reported in the literature in individuals with BARD1-related disease. This variant is not present in population databases (ExAC no frequency). This sequence change creates a premature translational stop signal (p.Phe387Serfs*13) in the BARD1 gene. It is expected to result in an absent or disrupted protein product. For these reasons, this variant has been classified as Pathogenic. Loss-of-function variants in BARD1 are known to be pathogenic (PMID: 20077502, 21344236).

Literature cited by the submitters: PubMed 20077502; PubMed 21344236.